The following is an entry in ClinVar:

ClinVar aggregate classification (germline): Benign. Review status: criteria provided, multiple submitters, no conflicts (2 of 4 stars). 5 submissions from 5 submitters: Benign (4). 1 of the submissions does not count toward it. Last evaluated 2026-02-02.

Conditions:
Aromatase deficiency. Also called: Increased aromatase activity; PSEUDOHERMAPHRODITISM, FEMALE, DUE TO PLACENTAL AROMATASE DEFICIENCY. Identifiers: Orphanet 91, MedGen C1960539, MONDO:0013301, OMIM 613546.

Allele frequency attached by ClinVar (database versions not stated): gnomAD exomes 0.00285 and 0.00759; ExAC 0.00945; gnomAD 0.02885 and 0.03055; TOPMed 0.03205; ESP Exome Variant Server 0.03375; 1000 Genomes Project 0.03814; 1000 Genomes Project 30x 0.04107.
gnomAD v4.1: 8,713 of 1,614,130 alleles (0.54%); highest among the groups gnomAD compares: African/African-American, 10%; 385 homozygotes.

Submissions (5):

Labcorp Genetics (formerly Invitae), Labcorp
Classification: Benign. Last evaluated: 2026-02-02. Review status: criteria provided, single submitter. Criteria: Invitae Variant Classification Sherloc (09022015). Collection method: clinical testing. Allele origin: germline.

Illumina Laboratory Services, Illumina
Classification: Benign for Aromatase deficiency. Last evaluated: 2018-01-13. Review status: criteria provided, single submitter. Criteria: ICSL Variant Classification Criteria 13 December 2019. Collection method: clinical testing. Allele origin: germline.
Comment: This variant was observed in the ICSL laboratory as part of a predisposition screen in an ostensibly healthy population. It had not been previously curated by ICSL or reported in the Human Gene Mutation Database (HGMD: prior to June 1st, 2018), and was therefore a candidate for classification through an automated scoring system. Utilizing variant allele frequency, disease prevalence and penetrance estimates, and inheritance mode, an automated score was calculated to assess if this variant is too frequent to cause the disease. Based on the score and internal cut-off values, a variant classified as benign is not then subjected to further curation. The score for this variant resulted in a classification of benign for this disease.

GeneDx
Classification: Benign. Last evaluated: 2017-02-07. Review status: criteria provided, single submitter. Criteria: GeneDx Variant Classification (06012015). Collection method: clinical testing. Allele origin: germline. Affected: yes.
Comment: This variant is considered likely benign or benign based on one or more of the following criteria: it is a conservative change, it occurs at a poorly conserved position in the protein, it is predicted to be benign by multiple in silico algorithms, and/or has population frequency not consistent with disease.

Breakthrough Genomics
Classification: Benign. Review status: criteria provided, single submitter. Criteria: ACMG Guidelines, 2015. Collection method: not provided. Allele origin: germline. Inheritance: Unknown mechanism. Affected: yes.

Natera, Inc.
Classification: Benign for Aromatase deficiency. Last evaluated: 2020-09-16. Review status: no assertion criteria provided. Collection method: clinical testing. Allele origin: germline. Not counted in ClinVar's aggregate classification.

NM_000103.4(CYP19A1):c.186C>T (p.His62=)

Genes: CYP19A1 (cytochrome P450 family 19 subfamily A member 1; minus strand), PIRC66 (piwi-interacting RNA cluster 66; plus strand), MIR4713HG (MIR4713 host gene; plus strand). Cytogenetic location: 15q21.2.
Variant type: single nucleotide variant.
Coding change: c.186C>T on transcript NM_000103.4 (MANE Select); coding-DNA position 186, C replaced by T.
Protein change: p.His62=; no amino-acid change (histidine 62 retained).
Molecular consequence: synonymous variant.
Genome position (GRCh38, 1-based): chr15:51,236,969, G>A on the plus strand (C>T on the coding strand, the complement: CYP19A1 is on the minus strand). VCF-style: chr15-51236969-G-A. GRCh37 (hg19) VCF-style: chr15-51529166-G-A.
Other names: c.186C>T, p.His62= (NM_001347248.1, NM_001347249.2, NM_001347250.2 and 7 more transcripts).
Identifiers: ClinVar variation 316478 (VCV000316478.17), dbSNP rs60308277, ClinGen allele CA7560141.
Genomic context (GRCh38, chr15:51,236,969, plus strand): 5'-TCCATATACCCGGTTGTAGTAGTTGCAGGCACTGCCGATCCCCATCCACAGGAATCTGCC[G>A]TGGGAGATGAGGGGTCCAATTCCCATGCAGTAGCCAGGACCTAGGACAGGTGTCAGAGCA-3'
Protein context (NP_000094.2, residues 52-72): YCMGIGPLIS[His62=]GRFLWMGIGS